The following is an entry in ClinVar:

ClinVar aggregate classification (germline): Uncertain significance (1 of 4 stars; one submission).

Submission:

GeneDx
Classification: Uncertain significance. Last evaluated: 2017-09-05. Review status: criteria provided, single submitter. Criteria: GeneDx Variant Classification (06012015). Collection method: clinical testing. Allele origin: germline. Affected: yes.
Comment: The c.1870-3T>A variant in the ATP7A gene has not been reported previously as a pathogenic variant nor as a benign variant, to our knowledge. This variant reduces the quality of the splice acceptor site in intron 7, and may cause abnormal gene splicing. However, in the absence of RNA/functional studies, the actual effect of c.1870-3T>A in this individual is unknown. The c.1870-3T>A variant is not observed in large population cohorts (Lek et al., 2016; 1000 Genomes Consortium et al., 2015; Exome Variant Server). We interpret c.1870-3T>A as a variant of uncertain significance.

NM_000052.7(ATP7A):c.1870-3T>A

Gene: ATP7A (ATPase copper transporting alpha; plus strand). Cytogenetic location: Xq21.1.
Variant type: single nucleotide variant.
Coding change: c.1870-3T>A on transcript NM_000052.7 (MANE Select); 3 bases into the intron before coding-DNA position 1870, T replaced by A.
Molecular consequence: intron variant.
Genome position (GRCh38, 1-based): chrX:78,011,173, T>A. VCF-style: chrX-78011173-T-A. GRCh37 (hg19) VCF-style: chrX-77266670-T-A.
Other names: c.1870-3T>A (NM_001282224.2).
Identifiers: ClinVar variation 451839 (VCV000451839.2), dbSNP rs1557234394, ClinGen allele CA658659020.